The following is an entry in ClinVar:

NM_020436.5(SALL4):c.889G>A (p.Ala297Thr)

Gene: SALL4 (spalt like transcription factor 4; minus strand). Cytogenetic location: 20q13.2.
Variant type: single nucleotide variant.
Coding change: c.889G>A on transcript NM_020436.5 (MANE Select); coding-DNA position 889, G replaced by A.
Protein change: p.Ala297Thr; replaces alanine 297 with threonine.
Molecular consequence: missense variant.
Genome position (GRCh38, 1-based): chr20:51,791,594, C>T on the plus strand (G>A on the coding strand, the complement: SALL4 is on the minus strand). VCF-style: chr20-51791594-C-T. GRCh37 (hg19) VCF-style: chr20-50408133-C-T.
Other names: c.889G>A, p.Ala297Thr (NM_001318031.2); short protein forms A297T.
Identifiers: ClinVar variation 2962057 (VCV002962057.5), dbSNP rs1448426581, ClinGen allele CA409015180.

ClinVar aggregate classification (germline): Conflicting classifications of pathogenicity. Review status: criteria provided, conflicting classifications (1 of 4 stars). 3 submissions from 3 submitters: Uncertain significance (2); Likely benign (1). Last evaluated 2026-10-01.

Conditions:
Oculootoradial syndrome (IVIC). Also called: RADIAL RAY DEFECTS, HEARING IMPAIRMENT, EXTERNAL OPHTHALMOPLEGIA, AND THROMBOCYTOPENIA; IVIC syndrome. Identifiers: Orphanet 2307, MedGen C1327918, MONDO:0007836, OMIM 147750.
Duane-radial ray syndrome (DRRS). Also called: ACRORENOOCULAR SYNDROME; DR SYNDROME; DUANE ANOMALY WITH RADIAL RAY ABNORMALITIES AND DEAFNESS; Duane-Radial Ray Syndrome/Okihiro Syndrome; Duane-Radial Ray Syndrome (DRRS) / Okihiro Syndrome; Okihiro Syndrome. Identifiers: Orphanet 93293, Orphanet 959, MedGen C1623209, MONDO:0011812, OMIM 607323. Disease mechanism: gain of function.

Allele frequency attached by ClinVar (database versions not stated): TOPMed below 0.00001; gnomAD 0.00001; gnomAD exomes 0.00001.
gnomAD v4.1: 4 of 1,613,382 alleles (0.00025%); highest among the groups gnomAD compares: Non-Finnish European, 0.00017%; no homozygotes.

Submissions (3):

CeGaT Center for Human Genetics Tuebingen
Classification: Likely benign. Last evaluated: 2026-10-01. Review status: criteria provided, single submitter. Criteria: CeGaT Center For Human Genetics Tuebingen Variant Classification Criteria Version 2. Collection method: clinical testing. Allele origin: germline. Affected: yes. Observed: 1 variant allele.
Comment: SALL4: BP4

Fulgent Genetics
Classification: Uncertain significance for Oculootoradial syndrome; Duane-radial ray syndrome. Last evaluated: 2024-04-15. Review status: criteria provided, single submitter. Criteria: ACMG Guidelines, 2015. Collection method: clinical testing. Allele origin: germline.

Labcorp Genetics (formerly Invitae), Labcorp
Classification: Uncertain significance for Duane-radial ray syndrome. Last evaluated: 2023-11-22. Review status: criteria provided, single submitter. Criteria: Invitae Variant Classification Sherloc (09022015). Collection method: clinical testing. Allele origin: germline.
Comment: This sequence change replaces alanine, which is neutral and non-polar, with threonine, which is neutral and polar, at codon 297 of the SALL4 protein (p.Ala297Thr). This variant is present in population databases (no rsID available, gnomAD 0.004%). This variant has not been reported in the literature in individuals affected with SALL4-related conditions. Algorithms developed to predict the effect of missense changes on protein structure and function output the following: SIFT: "Not Available"; PolyPhen-2: "Benign"; Align-GVGD: "Not Available". The threonine amino acid residue is found in multiple mammalian species, which suggests that this missense change does not adversely affect protein function. In summary, the available evidence is currently insufficient to determine the role of this variant in disease. Therefore, it has been classified as a Variant of Uncertain Significance.